The following is an entry in ClinVar:

ClinVar aggregate classification (germline): Uncertain significance (1 of 4 stars; one submission).

Conditions:
Charcot-Marie-Tooth disease type 4. Also called: Charcot-Marie-Tooth disease, type IV; Charcot-Marie-Tooth, Type 4. Identifiers: Orphanet 64749, MedGen C4082197, MONDO:0018995.

Allele frequency attached by ClinVar (database versions not stated): gnomAD exomes below 0.00001 and 0.00001; ExAC 0.00001; gnomAD 0.00003; TOPMed 0.00003; ESP Exome Variant Server 0.00008.
gnomAD v4.1: 10 of 1,613,796 alleles (0.00062%); highest among the groups gnomAD compares: African/African-American, 0.011%; no homozygotes.

Submission:

Labcorp Genetics (formerly Invitae), Labcorp
Classification: Uncertain significance for Charcot-Marie-Tooth disease type 4. Last evaluated: 2020-03-23. Review status: criteria provided, single submitter. Criteria: Invitae Variant Classification Sherloc (09022015). Collection method: clinical testing. Allele origin: germline.
Comment: In summary, the available evidence is currently insufficient to determine the role of this variant in disease. Therefore, it has been classified as a Variant of Uncertain Significance. Algorithms developed to predict the effect of missense changes on protein structure and function (SIFT, PolyPhen-2, Align-GVGD) all suggest that this variant is likely to be tolerated, but these predictions have not been confirmed by published functional studies and their clinical significance is uncertain. This variant has not been reported in the literature in individuals with MTMR2-related conditions. This variant is present in population databases (rs377327553, ExAC 0.01%). This sequence change replaces proline with leucine at codon 77 of the MTMR2 protein (p.Pro77Leu). The proline residue is weakly conserved and there is a moderate physicochemical difference between proline and leucine.

NM_016156.6(MTMR2):c.230C>T (p.Pro77Leu)

Gene: MTMR2 (myotubularin related protein 2; minus strand). Cytogenetic location: 11q21.
Variant type: single nucleotide variant.
Coding change: c.230C>T on transcript NM_016156.6 (MANE Select); coding-DNA position 230, C replaced by T.
Protein change: p.Pro77Leu; replaces proline 77 with leucine.
Molecular consequence: missense variant.
Genome position (GRCh38, 1-based): chr11:95,865,633, G>A on the plus strand (C>T on the coding strand, the complement: MTMR2 is on the minus strand). VCF-style: chr11-95865633-G-A. GRCh37 (hg19) VCF-style: chr11-95598797-G-A.
Other names: c.14C>T, p.Pro5Leu (NM_001243571.2, NM_201278.3, NM_201281.3); short protein forms P5L, P77L.
Identifiers: ClinVar variation 1035731 (VCV001035731.6), dbSNP rs377327553, ClinGen allele CA6240420.